The following is an entry in ClinVar:

NM_005026.5(PIK3CD):c.1471-63C>T

Gene: PIK3CD (phosphatidylinositol-4,5-bisphosphate 3-kinase catalytic subunit delta; plus strand). Cytogenetic location: 1p36.22.
Variant type: single nucleotide variant.
Coding change: c.1471-63C>T on transcript NM_005026.5 (MANE Select); 63 bases into the intron before coding-DNA position 1471, C replaced by T.
Molecular consequence: intron variant.
Genome position (GRCh38, 1-based): chr1:9,720,548, C>T. VCF-style: chr1-9720548-C-T. GRCh37 (hg19) VCF-style: chr1-9780606-C-T.
Other names: c.1471-63C>T (NM_001437547.1, NM_001439206.1, NM_001437546.1 and 2 more transcripts); c.1384-63C>T (NM_001350235.1).
Identifiers: ClinVar variation 4874372 (VCV004874372.2).

ClinVar aggregate classification (germline): Likely benign (1 of 4 stars; one submission).

gnomAD v4.1: 1 of 1,547,580 alleles (0.000065%); highest among the groups gnomAD compares: Non-Finnish European, 0.000087%; no homozygotes.

Submission:

CeGaT Center for Human Genetics Tuebingen
Classification: Likely benign. Last evaluated: 2026-04-01. Review status: criteria provided, single submitter. Criteria: CeGaT Center For Human Genetics Tuebingen Variant Classification Criteria Version 2. Collection method: clinical testing. Allele origin: germline. Affected: yes. Observed: 1 variant allele.
Comment: PIK3CD: BP4, BP7